The following is an entry in ClinVar:

NM_032730.5(RTN4IP1):c.1088G>A (p.Arg363Gln)

Gene: RTN4IP1 (reticulon 4 interacting protein 1; minus strand). Cytogenetic location: 6q21.
Variant type: single nucleotide variant.
Coding change: c.1088G>A on transcript NM_032730.5 (MANE Select); coding-DNA position 1088, G replaced by A.
Protein change: p.Arg363Gln; replaces arginine 363 with glutamine.
Molecular consequence: missense variant.
Genome position (GRCh38, 1-based): chr6:106,572,099, C>T on the plus strand (G>A on the coding strand, the complement: RTN4IP1 is on the minus strand). VCF-style: chr6-106572099-C-T. GRCh37 (hg19) VCF-style: chr6-107019974-C-T.
Other names: c.788G>A, p.Arg263Gln (NM_001318746.1); c.1088G>A (NM_032730.4); short protein forms R263Q, R363Q.
Identifiers: ClinVar variation 1364521 (VCV001364521.7), dbSNP rs372866009, ClinGen allele CA3944273.
Genomic context (GRCh38, chr6:106,572,099, plus strand): 5'-TCCACCTTCAGGAAGGCTTCTGGAACTTTAGAAAAAGGAAAGGTTTGTTCAATAACTGGC[C>T]GGATCTGTAAAACATAAGAGGTTGACCGGTGGATAAAAAAGCCTACATCTTTCAAGGCAG-3'
Protein context (NP_116119.2, residues 353-373): IAELVDAGKI[Arg363Gln]PVIEQTFPFS

ClinVar aggregate classification (germline): Conflicting classifications of pathogenicity. Review status: criteria provided, conflicting classifications (1 of 4 stars). 3 submissions from 3 submitters: Uncertain significance (1); Likely benign (2). Last evaluated 2025-06-07.

Conditions:
Inborn genetic diseases. Identifiers: MedGen C0950123, MeSH D030342.

Allele frequency attached by ClinVar (database versions not stated): ExAC 0.00002; gnomAD 0.00004; gnomAD exomes 0.00004; TOPMed 0.00004; ESP Exome Variant Server 0.00015.

Submissions (3):

Ambry Genetics
Classification: Likely benign for Inborn genetic diseases. Last evaluated: 2025-06-07. Review status: criteria provided, single submitter. Criteria: Ambry Variant Classification Scheme 2023. Collection method: clinical testing. Allele origin: germline.

Labcorp Genetics (formerly Invitae), Labcorp
Classification: Uncertain significance. Last evaluated: 2024-10-21. Review status: criteria provided, single submitter. Criteria: Invitae Variant Classification Sherloc (09022015). Collection method: clinical testing. Allele origin: germline.
Comment: This sequence change replaces arginine, which is basic and polar, with glutamine, which is neutral and polar, at codon 363 of the RTN4IP1 protein (p.Arg363Gln). This variant is present in population databases (rs372866009, gnomAD 0.009%). This variant has not been reported in the literature in individuals affected with RTN4IP1-related conditions. ClinVar contains an entry for this variant (Variation ID: 1364521). Invitae Evidence Modeling of protein sequence and biophysical properties (such as structural, functional, and spatial information, amino acid conservation, physicochemical variation, residue mobility, and thermodynamic stability) indicates that this missense variant is not expected to disrupt RTN4IP1 protein function with a negative predictive value of 80%. Algorithms developed to predict the effect of sequence changes on RNA splicing suggest that this variant may disrupt the consensus splice site. In summary, the available evidence is currently insufficient to determine the role of this variant in disease. Therefore, it has been classified as a Variant of Uncertain Significance.

Blueprint Genetics
Classification: Likely benign. Last evaluated: 2024-06-25. Review status: criteria provided, single submitter. Criteria: ACMG Guidelines, 2015. Collection method: clinical testing. Allele origin: germline.